The following is an entry in ClinVar:

ClinVar aggregate classification (germline): Uncertain significance (1 of 4 stars; one submission).

gnomAD v4.1: 3 of 1,613,680 alleles (0.00019%); highest among the groups gnomAD compares: Non-Finnish European, 0.00025%; no homozygotes.

Submission:

Labcorp Genetics (formerly Invitae), Labcorp
Classification: Uncertain significance. Last evaluated: 2024-07-08. Review status: criteria provided, single submitter. Criteria: Invitae Variant Classification Sherloc (09022015). Collection method: clinical testing. Allele origin: germline.
Comment: This sequence change replaces leucine, which is neutral and non-polar, with isoleucine, which is neutral and non-polar, at codon 372 of the RTTN protein (p.Leu372Ile). This variant is not present in population databases (gnomAD no frequency). This variant has not been reported in the literature in individuals affected with RTTN-related conditions. ClinVar contains an entry for this variant (Variation ID: 1426588). Advanced modeling of protein sequence and biophysical properties (such as structural, functional, and spatial information, amino acid conservation, physicochemical variation, residue mobility, and thermodynamic stability) performed at Invitae indicates that this missense variant is not expected to disrupt RTTN protein function with a negative predictive value of 80%. In summary, the available evidence is currently insufficient to determine the role of this variant in disease. Therefore, it has been classified as a Variant of Uncertain Significance.

NM_173630.4(RTTN):c.1114C>A (p.Leu372Ile)

Gene: RTTN (rotatin; minus strand). Cytogenetic location: 18q22.2.
Variant type: single nucleotide variant.
Coding change: c.1114C>A on transcript NM_173630.4 (MANE Select); coding-DNA position 1114, C replaced by A.
Protein change: p.Leu372Ile; replaces leucine 372 with isoleucine.
Molecular consequence: missense variant. On other transcripts: 5 prime UTR variant (1).
Genome position (GRCh38, 1-based): chr18:70,190,613, G>T on the plus strand (C>A on the coding strand, the complement: RTTN is on the minus strand). VCF-style: chr18-70190613-G-T. GRCh37 (hg19) VCF-style: chr18-67857849-G-T.
Other names: c.-1440C>A (NM_001318520.2); short protein forms L372I.
Identifiers: ClinVar variation 1426588 (VCV001426588.8), dbSNP rs1176155751, ClinGen allele CA402699111.